The following is an entry in ClinVar:

NM_001258392.3(CLPB):c.236A>C (p.Asp79Ala)

Genes: CLPB (ClpB family mitochondrial disaggregase; minus strand), LOC130006336 (ATAC-STARR-seq lymphoblastoid active region 5191; plus strand). Cytogenetic location: 11q13.4.
Variant type: single nucleotide variant.
Coding change: c.236A>C on transcript NM_001258392.3 (MANE Select); coding-DNA position 236, A replaced by C.
Protein change: p.Asp79Ala; replaces aspartic acid 79 with alanine.
Molecular consequence: missense variant. On other transcripts: 5 prime UTR variant (1).
Genome position (GRCh38, 1-based): chr11:72,434,239, T>G on the plus strand (A>C on the coding strand, the complement: CLPB is on the minus strand). VCF-style: chr11-72434239-T-G. GRCh37 (hg19) VCF-style: chr11-72145283-T-G.
Other names: c.236A>C, p.Asp79Ala (NM_001258393.3, NM_030813.6); c.-7A>C (NM_001258394.3); short protein forms D79A.
Identifiers: ClinVar variation 4722648 (VCV004722648.1).

ClinVar aggregate classification (germline): Uncertain significance (1 of 4 stars; one submission).

Conditions:
3-methylglutaconic aciduria, type VIIB (MGCA7B). Also called: CLPB Deficiency; 3-methylglutaconic aciduria, type VII, with cataracts, neurologic involvement and neutropenia; 3-methylglutaconic aciduria with cataracts, neurologic involvement and neutropenia. Identifiers: Orphanet 445038, MedGen C5676893, MONDO:0014561, OMIM 616271.

gnomAD v4.1: 1 of 1,613,572 alleles (0.000062%); highest among the groups gnomAD compares: Non-Finnish European, 0.000085%; no homozygotes.

Submission:

Labcorp Genetics (formerly Invitae), Labcorp
Classification: Uncertain significance for 3-methylglutaconic aciduria, type VIIB. Last evaluated: 2025-07-03. Review status: criteria provided, single submitter. Criteria: Invitae Variant Classification Sherloc (09022015). Collection method: clinical testing. Allele origin: germline.
Comment: This sequence change replaces aspartic acid, which is acidic and polar, with alanine, which is neutral and non-polar, at codon 79 of the CLPB protein (p.Asp79Ala). This variant is not present in population databases (gnomAD no frequency). This variant has not been reported in the literature in individuals affected with CLPB-related conditions. An algorithm developed to predict the effect of missense changes on protein structure and function outputs the following: PolyPhen-2: "Benign". The alanine amino acid residue is found in multiple mammalian species, which suggests that this missense change does not adversely affect protein function. In summary, the available evidence is currently insufficient to determine the role of this variant in disease. Therefore, it has been classified as a Variant of Uncertain Significance.